The following is an entry in ClinVar:

ClinVar aggregate classification (germline): Uncertain significance (1 of 4 stars; one submission).

Submission:

Labcorp Genetics (formerly Invitae), Labcorp
Classification: Uncertain significance. Last evaluated: 2024-02-23. Review status: criteria provided, single submitter. Criteria: Invitae Variant Classification Sherloc (09022015). Collection method: clinical testing. Allele origin: germline.
Comment: This sequence change replaces lysine, which is basic and polar, with arginine, which is basic and polar, at codon 465 of the NTRK2 protein (p.Lys465Arg). This variant is not present in population databases (gnomAD no frequency). This variant has not been reported in the literature in individuals affected with NTRK2-related conditions. An algorithm developed to predict the effect of missense changes on protein structure and function (PolyPhen-2) suggests that this variant is likely to be disruptive. In summary, the available evidence is currently insufficient to determine the role of this variant in disease. Therefore, it has been classified as a Variant of Uncertain Significance.

NM_006180.6(NTRK2):c.1394A>G (p.Lys465Arg)

Gene: NTRK2 (neurotrophic receptor tyrosine kinase 2; plus strand). Cytogenetic location: 9q21.33.
Variant type: single nucleotide variant.
Coding change: c.1394A>G on transcript NM_006180.6 (MANE Select); coding-DNA position 1394, A replaced by G.
Protein change: p.Lys465Arg; replaces lysine 465 with arginine.
Molecular consequence: missense variant.
Genome position (GRCh38, 1-based): chr9:84,752,083, A>G. VCF-style: chr9-84752083-A-G. GRCh37 (hg19) VCF-style: chr9-87366998-A-G.
Other names: c.1394A>G, p.Lys465Arg (NM_001007097.3, NM_001018064.3, NM_001018065.2 and 16 more transcripts); c.1355A>G, p.Lys452Arg (NM_001291937.2, NM_001369546.1); c.1358A>G, p.Lys453Arg (NM_001369534.1); c.926A>G, p.Lys309Arg (NM_001369535.1, NM_001369536.1, NM_001369550.1 and 2 more transcripts); short protein forms K453R, K465R, K309R, K452R.
Identifiers: ClinVar variation 2705848 (VCV002705848.3), dbSNP rs2493110109, ClinGen allele CA374008606.
Genomic context (GRCh38, chr9:84,752,083, plus strand): 5'-TTTGCCTTTTGGTAATGCTGTTTCTGCTTAAGTTGGCAAGACACTCCAAGTTTGGCATGA[A>G]AGGTAAGAAGGGTTGTGTTTATTTAGCTTCTTATGTGGATCATTTTTGGCTTATGACTAA-3'
Protein context (NP_006171.2, residues 455-475): KLARHSKFGM[Lys465Arg]DFSWFGFGKV